The following is an entry in ClinVar:

NM_001042492.3(NF1):c.2848C>T (p.Gln950Ter)

Gene: NF1 (neurofibromin 1; plus strand). Cytogenetic location: 17q11.2.
Variant type: single nucleotide variant.
Coding change: c.2848C>T on transcript NM_001042492.3 (MANE Select); coding-DNA position 2848, C replaced by T.
Protein change: p.Gln950Ter; replaces glutamine 950 with a stop codon.
Molecular consequence: nonsense.
Genome position (GRCh38, 1-based): chr17:31,229,463, C>T. VCF-style: chr17-31229463-C-T. GRCh37 (hg19) VCF-style: chr17-29556481-C-T.
Other names: c.2848C>T, p.Gln950Ter (NM_000267.4); short protein forms Q950*.
Identifiers: ClinVar variation 404574 (VCV000404574.19), dbSNP rs1060500357, ClinGen allele CA16615471.

ClinVar aggregate classification (germline): Pathogenic. Review status: criteria provided, multiple submitters, no conflicts (2 of 4 stars). 6 submissions from 6 submitters: Pathogenic (6). Last evaluated 2026-04-01.

Conditions:
Cardiovascular phenotype. Identifiers: MedGen CN230736.
Hereditary cancer-predisposing syndrome. Also called: Neoplastic Syndromes, Hereditary; Tumor predisposition; Hereditary Cancer Syndrome; Hereditary neoplastic syndrome. Identifiers: Orphanet 140162, MedGen C0027672, MeSH D009386, MONDO:0015356.
Neurofibromatosis, type 1 (NF1). Also called: Peripheral type neurofibromatosis; VON RECKLINGHAUSEN DISEASE; NEUROFIBROMATOSIS, TYPE I, SOMATIC; Neurofibromatosis, type I. Identifiers: Orphanet 636, MedGen C0027831, MONDO:0018975, OMIM 162200. Disease mechanism: loss of function.

Submissions (6):

Department of Genetics, Sultan Qaboos University Hospital
Classification: Pathogenic for Neurofibromatosis, type 1. Last evaluated: 2026-04-01. Review status: criteria provided, single submitter. Criteria: ACMG Guidelines, 2015. Collection method: clinical testing. Allele origin: germline. Affected: yes. Observed: 1 variant allele.
Comment: PVS1,PM2,PP3,PP5_Very_Strong

Labcorp Genetics (formerly Invitae), Labcorp
Classification: Pathogenic for Neurofibromatosis, type 1. Last evaluated: 2024-12-22. Review status: criteria provided, single submitter. Criteria: Invitae Variant Classification Sherloc (09022015). Collection method: clinical testing. Allele origin: germline.
Comment: This sequence change creates a premature translational stop signal (p.Gln950*) in the NF1 gene. It is expected to result in an absent or disrupted protein product. Loss-of-function variants in NF1 are known to be pathogenic (PMID: 10712197, 23913538). This variant is not present in population databases (gnomAD no frequency). This premature translational stop signal has been observed in individual(s) with clinical features of NF1 (PMID: 26056819). ClinVar contains an entry for this variant (Variation ID: 404574). For these reasons, this variant has been classified as Pathogenic.

Ambry Genetics
Classification: Pathogenic for Cardiovascular phenotype; Hereditary cancer-predisposing syndrome. Last evaluated: 2024-12-13. Review status: criteria provided, single submitter. Criteria: Ambry Variant Classification Scheme 2023. Collection method: clinical testing. Allele origin: germline.
Comment: The p.Q950* pathogenic mutation (also known as c.2848C>T), located in coding exon 21 of the NF1 gene, results from a C to T substitution at nucleotide position 2848. This changes the amino acid from a glutamine to a stop codon within coding exon 21. This mutation has been reported in subjects with features of neurofibromatosis type 1 (Zhang J et al. Sci Rep, 2015 Jun;5:11291; Stella A et al. Genes (Basel), 2018 Apr;9:). This variant is considered to be rare based on population cohorts in the Genome Aggregation Database (gnomAD). In addition to the clinical data presented in the literature, this alteration is expected to result in loss of function by premature protein truncation or nonsense-mediated mRNA decay. As such, this alteration is interpreted as a disease-causing mutation.

GeneDx
Classification: Pathogenic. Last evaluated: 2024-04-01. Review status: criteria provided, single submitter. Criteria: GeneDx Variant Classification Process June 2021. Collection method: clinical testing. Allele origin: germline. Affected: yes.
Comment: Nonsense variant predicted to result in protein truncation or nonsense mediated decay in a gene for which loss of function is a known mechanism of disease; Not observed at significant frequency in large population cohorts (gnomAD); This variant is associated with the following publications: (PMID: 29673180, 26056819)

Genome-Nilou Lab
Classification: Pathogenic for Neurofibromatosis, type 1. Last evaluated: 2022-03-15. Review status: criteria provided, single submitter. Criteria: ACMG Guidelines, 2015. Collection method: clinical testing. Allele origin: germline. Affected: no.

ARUP Laboratories, Molecular Genetics and Genomics, ARUP Laboratories
Classification: Pathogenic. Last evaluated: 2017-06-06. Review status: criteria provided, single submitter. Criteria: ARUP Molecular Germline Variant Investigation Process. Collection method: clinical testing. Allele origin: germline.

Literature cited by the submitters: PubMed 10712197 (cited by Labcorp Genetics (formerly Invitae), Labcorp); PubMed 23913538 (cited by Labcorp Genetics (formerly Invitae), Labcorp); PubMed 26056819 (cited by Labcorp Genetics (formerly Invitae), Labcorp and Ambry Genetics); PubMed 29673180 (cited by Ambry Genetics).